The following is an entry in ClinVar:

NM_002499.4(NEO1):c.2092+8A>G

Gene: NEO1 (neogenin 1; plus strand). Cytogenetic location: 15q24.1.
Variant type: single nucleotide variant.
Coding change: c.2092+8A>G on transcript NM_002499.4 (MANE Select); 8 bases into the intron after coding-DNA position 2092, A replaced by G.
Molecular consequence: intron variant.
Genome position (GRCh38, 1-based): chr15:73,254,837, A>G. VCF-style: chr15-73254837-A-G. GRCh37 (hg19) VCF-style: chr15-73547178-A-G.
Other names: c.2092+8A>G (NM_001172624.2, NM_001172623.2); c.2152+8A>G (NM_001419531.1).
Identifiers: ClinVar variation 3039000 (VCV003039000.2), dbSNP rs150158027, ClinGen allele CA7648118.

ClinVar aggregate classification (germline): Likely benign (0 of 4 stars; one submission).

Conditions:
NEO1-related disorder. Also called: NEO1-related condition.

Allele frequency attached by ClinVar (database versions not stated): 1000 Genomes Project 0.00040; 1000 Genomes Project 30x 0.00047; ExAC 0.00048; gnomAD 0.00061; TOPMed 0.00068; ESP Exome Variant Server 0.00108; gnomAD exomes 0.00129.
gnomAD v4.1: 1,953 of 1,610,942 alleles (0.12%); highest among the groups gnomAD compares: Non-Finnish European, 0.16%; 2 homozygotes.

Submission:

PreventionGenetics, part of Exact Sciences
Classification: Likely benign for NEO1-related condition. Last evaluated: 2019-05-21. Review status: no assertion criteria provided. Collection method: clinical testing. Allele origin: germline.
Comment: This variant is classified as likely benign based on ACMG/AMP sequence variant interpretation guidelines (Richards et al. 2015 PMID: 25741868, with internal and published modifications).